The following is an entry in ClinVar:

ClinVar aggregate classification (germline): Uncertain significance (1 of 4 stars; one submission).

Allele frequency attached by ClinVar (database versions not stated): TOPMed below 0.00001; gnomAD exomes 0.00001.

Submission:

Labcorp Genetics (formerly Invitae), Labcorp
Classification: Uncertain significance. Last evaluated: 2023-01-06. Review status: criteria provided, single submitter. Criteria: Invitae Variant Classification Sherloc (09022015). Collection method: clinical testing. Allele origin: germline.
Comment: This variant has not been reported in the literature in individuals affected with CXCR2-related conditions. This variant is not present in population databases (gnomAD no frequency). This sequence change replaces alanine, which is neutral and non-polar, with valine, which is neutral and non-polar, at codon 91 of the CXCR2 protein (p.Ala91Val). Algorithms developed to predict the effect of missense changes on protein structure and function are either unavailable or do not agree on the potential impact of this missense change (SIFT: "Tolerated"; PolyPhen-2: "Probably Damaging"; Align-GVGD: "Class C0"). In summary, the available evidence is currently insufficient to determine the role of this variant in disease. Therefore, it has been classified as a Variant of Uncertain Significance.

NM_001557.4(CXCR2):c.272C>T (p.Ala91Val)

Gene: CXCR2 (C-X-C motif chemokine receptor 2; plus strand). Cytogenetic location: 2q35.
Variant type: single nucleotide variant.
Coding change: c.272C>T on transcript NM_001557.4 (MANE Select); coding-DNA position 272, C replaced by T.
Protein change: p.Ala91Val; replaces alanine 91 with valine.
Molecular consequence: missense variant.
Genome position (GRCh38, 1-based): chr2:218,135,073, C>T. VCF-style: chr2-218135073-C-T. GRCh37 (hg19) VCF-style: chr2-218999796-C-T.
Other names: c.272C>T, p.Ala91Val (NM_001168298.2); short protein forms A91V.
Identifiers: ClinVar variation 2997916 (VCV002997916.2), dbSNP rs199535002, ClinGen allele CA65710766.
Genomic context (GRCh38, chr2:218,135,073, plus strand): 5'-TGGTCATCTTATACAGCAGGGTCGGCCGCTCCGTCACTGATGTCTACCTGCTGAACCTAG[C>T]CTTGGCCGACCTACTCTTTGCCCTGACCTTGCCCATCTGGGCCGCCTCCAAGGTGAATGG-3'
Protein context (NP_001548.1, residues 81-101): SVTDVYLLNL[Ala91Val]LADLLFALTL